The following is an entry in ClinVar:

NM_016219.5(MAN1B1):c.*384A>G

Gene: MAN1B1 (mannosidase alpha class 1B member 1; plus strand). Cytogenetic location: 9q34.3.
Variant type: single nucleotide variant.
Coding change: c.*384A>G on transcript NM_016219.5 (MANE Select); 384 bases downstream of the stop codon, A replaced by G.
Molecular consequence: 3 prime UTR variant. On other transcripts: non-coding transcript variant (2).
Genome position (GRCh38, 1-based): chr9:137,108,975, A>G. VCF-style: chr9-137108975-A-G. GRCh37 (hg19) VCF-style: chr9-140003427-A-G.
Identifiers: ClinVar variation 365984 (VCV000365984.13), dbSNP rs4567, ClinGen allele CA5359628.
Genomic context (GRCh38, chr9:137,108,975, plus strand): 5'-ACTGGGGTGACCGAGTGGACAGCCCAGGGTGCAGCTCTGCCCGGGCTCGTGAAGCCTCAG[A>G]TGTCCCCAATCCAAGGGTCTGGAGGGGCTGCCGTGACTCCAGAGGCCTGAGGCTCCAGGG-3'

ClinVar aggregate classification (germline): Benign. Review status: criteria provided, multiple submitters, no conflicts (2 of 4 stars). 3 submissions from 3 submitters: Benign (3). Last evaluated 2026-01-19.

Conditions:
Rafiq syndrome (RAFQS). Identifiers: Orphanet 88616, MedGen C3280127, MONDO:0013624, OMIM 614202.

Allele frequency attached by ClinVar (database versions not stated): gnomAD exomes 0.48893 and 0.51445; ExAC 0.49359; gnomAD 0.49708 and 0.49966; TOPMed 0.51387; 1000 Genomes Project 30x 0.55044; 1000 Genomes Project 0.55192.
gnomAD v4.1: 228,770 of 464,886 alleles (49%); highest among the groups gnomAD compares: East Asian, 71%; 57,518 homozygotes.

Submissions (3):

Labcorp Genetics (formerly Invitae), Labcorp
Classification: Benign for Rafiq syndrome. Last evaluated: 2026-01-19. Review status: criteria provided, single submitter. Criteria: Invitae Variant Classification Sherloc (09022015). Collection method: clinical testing. Allele origin: germline.

Illumina Laboratory Services, Illumina
Classification: Benign for Rafiq syndrome. Last evaluated: 2018-03-06. Review status: criteria provided, single submitter. Criteria: ICSL Variant Classification Criteria 13 December 2019. Collection method: clinical testing. Allele origin: germline.
Comment: This variant was observed in the ICSL laboratory as part of a predisposition screen in an ostensibly healthy population. It had not been previously curated by ICSL or reported in the Human Gene Mutation Database (HGMD: prior to June 1st, 2018), and was therefore a candidate for classification through an automated scoring system. Utilizing variant allele frequency, disease prevalence and penetrance estimates, and inheritance mode, an automated score was calculated to assess if this variant is too frequent to cause the disease. Based on the score and internal cut-off values, a variant classified as benign is not then subjected to further curation. The score for this variant resulted in a classification of benign for this disease.

Breakthrough Genomics
Classification: Benign. Review status: criteria provided, single submitter. Criteria: ACMG Guidelines, 2015. Collection method: not provided. Allele origin: germline. Inheritance: Autosomal recessive inheritance. Affected: yes.